The following continues an entry in ClinVar:

NM_000441.2(SLC26A4):c.349C>T (p.Leu117Phe)

Gene: SLC26A4. ClinVar aggregate classification (germline): Pathogenic. Pathogenic (1).

Submissions 7 to 19 of 19:

GeneDx
Classification: Pathogenic. Last evaluated: 2025-05-23. Review status: criteria provided, single submitter. Criteria: GeneDx Variant Classification Process June 2021. Collection method: clinical testing. Allele origin: germline. Affected: yes. Not counted in ClinVar's aggregate classification.
Comment: Reported in the published literature and at GeneDx in the heterozygous state in multiple individuals with hearing loss and enlarged vestibular aqueduct in whom a second pathogenic variant was not identified; however, lack of a second pathogenic variant in SLC26A4-associated hearing loss is not an uncommon finding (PMID: 26969326, 11932316, 16570074); In silico analysis supports that this missense variant has a deleterious effect on protein structure/function; This variant is associated with the following publications: (PMID: 19608655, 25262649, 27771369, 11932316, 16570074, 10700480, 31589614, 31599023, 36147510, 30245029, 14508505, 34410491, 16950989, 33111345, 30311386, 33879512, 36233414, 37108562, 38474007, 26969326)

Blueprint Genetics
Classification: Pathogenic for SLC26A4-related disorders. Last evaluated: 2024-09-13. Review status: criteria provided, single submitter. Criteria: ACMG Guidelines, 2015. Collection method: clinical testing. Allele origin: germline. Affected: yes. Observed: 5 variant alleles. Not counted in ClinVar's aggregate classification.

Fulgent Genetics
Classification: Likely pathogenic for Pendred syndrome; Autosomal recessive nonsyndromic hearing loss 4. Last evaluated: 2024-06-22. Review status: criteria provided, single submitter. Criteria: ACMG Guidelines, 2015. Collection method: clinical testing. Allele origin: germline. Not counted in ClinVar's aggregate classification.

Baylor Genetics
Classification: Likely pathogenic for Autosomal recessive nonsyndromic hearing loss 4. Last evaluated: 2024-03-27. Review status: criteria provided, single submitter. Criteria: ACMG Guidelines, 2015. Collection method: clinical testing. Allele origin: unknown. Not counted in ClinVar's aggregate classification.

Women's Health and Genetics/Laboratory Corporation of America, LabCorp
Classification: Pathogenic for Pendred syndrome. Last evaluated: 2023-02-21. Review status: criteria provided, single submitter. Criteria: LabCorp Variant Classification Summary - May 2015. Collection method: clinical testing. Allele origin: germline. Not counted in ClinVar's aggregate classification.
Comment: Variant summary: SLC26A4 c.349C>T (p.Leu117Phe) results in a non-conservative amino acid change located in the SLC26A/SulP transporter domain (IPR011547) of the encoded protein sequence. Five of five in-silico tools predict a damaging effect of the variant on protein function. The variant allele was found at a frequency of 0.00033 in 251428 control chromosomes (gnomAD). This frequency is not significantly higher than estimated for a pathogenic variant in SLC26A4 causing Pendred Syndrome (0.00033 vs 0.0035), allowing no conclusion about variant significance. c.349C>T has been reported in the literature as a biallelic genotype in multiple individuals affected with hearing loss (Dahl_2013, Sloan-Heggen_2016, Brownstein_2020). These data indicate that the variant is very likely to be associated with disease. Two seperate publications have shown the variant behaves similarly to wild-type when expressed in HEK293T/HeLa cells (Taylor_2002, Wasano_2020). Ten ClinVar submitters, including one expert panel, have assessed the variant since 2014: two classified the variant as uncertain significance, five classified the variant as likely pathogenic, three (including the expert panel) classified the variant as pathogenic. Based on the evidence outlined above, the variant was classified as pathogenic.

Laboratory for Molecular Medicine, Mass General Brigham Personalized Medicine
Classification: Likely pathogenic for Rare genetic deafness. Last evaluated: 2020-07-08. Review status: criteria provided, single submitter. Criteria: LMM Criteria. Collection method: clinical testing. Allele origin: germline. Inheritance: Autosomal recessive inheritance. Observed: 11 variant alleles. Not counted in ClinVar's aggregate classification.
Comment: The p.Leu117Phe variant in SLC26A4 has been previously reported in 8 individuals with hearing loss, 6 of whom had enlarged vestibular aqueducts, and 5 of whom had a second SLC26A4 variant on the remaining allele (Reardon 2000, Albert 2006, Sloan-Heggen 2016, ClinVar SCV000282015.1, LMM unpublished data). This variant was classified as Likely Pathogenic on Sep 26, 2018 by the ClinGen-approved Hearing Loss expert panel (Variation ID 43555). This variant has also been reported in the homozygous state in 2 Ashkenazi Jewish families with hearing loss (Brownstein 2020, bioRxiv 2020.06.11.144790; doi: DOI 10.1101/2020.06.11.144790). The variant segregated in 2 affected family members; however, one affected individual was heterozygous only for the variant. This variant is also present in 0.5% (54/10368) of Ashkenazi Jewish chromosomes by the Genome Aggregation Database (gnomAD; dbSNP rs145254330). However, given the lack of understanding of Pendred syndrome prevalence in the Ashkenazi Jewish population, this allele frequency was not considered strong enough conflicting evidence to counter the pathogenic evidence. Two in vitro functional study demonstrated that the variant did not impact localization of the protein to the cell membrane or iodide efflux capacity; however, not all ion transport functions of the mutant proteins were assessed (Taylor 2002, Wasano 2020). In addition, the leucine (Leu) residue at position 117 is highly conserved across mammals and distant species, suggesting that variants at this position are not tolerated. In summary, although additional studies are required to fully establish its clinical significance, this variant meets criteria to be classified as likely pathogenic for autosomal recessive Pendred syndrome. ACMG/AMP criteria applied: PM3_VeryStrong, PP1, PP4, PP3, BS1, BS3_Supporting.

Victorian Clinical Genetics Services, Murdoch Childrens Research Institute
Classification: Likely pathogenic for Autosomal recessive nonsyndromic hearing loss 4. Last evaluated: 2020-05-21. Review status: criteria provided, single submitter. Criteria: ACMG Guidelines, 2015. Collection method: clinical testing. Allele origin: germline. Inheritance: Autosomal recessive inheritance. Affected: yes. Not counted in ClinVar's aggregate classification.
Comment: A heterozygous missense variant was identified, NM_000441.1(SLC26A4):c.349C>T in exon 4 of 21 of the SLC26A4 gene. This substitution is predicted to create a minor amino acid change from a leucine to a phenylalanine at position 117 of the protein; NP_000432.1(SLC26A4):p.(Leu117Phe). The leucine at this position has very high conservation (100 vertebrates, UCSC), and is located within the sulfate transp domain (PDB). In silico software predicts this variant to be damaging (PolyPhen2, MutationAssessor, FATHMM, PROVEAN). The variant is present in the gnomAD population database at a global population frequency of 0.03% (83 heterozygotes, 0 homozygotes) with an Ashkenazi Jewish sub-population frequency of 0.5%. This variant has been previously reported as likely pathogenic in patients with hearing loss (ClinGen Hearing Loss Variant Curation Expert Panel). Functional analysis using human HeLa and HEK cells shows that this variant resulted in normal cellular localisation of the mutant protein and iodide efflux of the cells (Taylor, J. et al. (2002)). Based on information available at the time of curation, this variant has been classified as LIKELY PATHOGENIC.

ARUP Laboratories, Molecular Genetics and Genomics, ARUP Laboratories
Classification: Uncertain significance. Last evaluated: 2018-11-07. Review status: criteria provided, single submitter. Criteria: ARUP Molecular Germline Variant Investigation Process. Collection method: clinical testing. Allele origin: germline. Not counted in ClinVar's aggregate classification.
Comment: The p.Leu117Phe variant (rs145254330) has been reported in multiple individuals with non-syndromic hearing loss (Reardon 2000, Albert 2006, Sloan-Heggen 2016); however, it has never been observed in trans with any pathogenic allele, and functional studies revealed no difference in protein localization or channel function when compared to wild-type SLC26A4 protein (Taylor 2002). Furthermore, this variant is listed in the Genome Aggregation Database (gnomAD) browser with a frequency in Ashkenazi Jewish populations of 0.51% (identified in 52 out of 10,150 chromosomes), and is listed in the ClinVar database with conflicting interpretations of pathogenicity (Variation ID: 43555). Taken together, the clinical significance of the p.Leu117Phe variant cannot be determined with certainty.

Illumina Laboratory Services, Illumina
Classification: Uncertain significance for Autosomal recessive nonsyndromic hearing loss 4. Last evaluated: 2017-04-27. Review status: criteria provided, single submitter. Criteria: ICSL Variant Classification Criteria 13 December 2019. Collection method: clinical testing. Allele origin: germline. Not counted in ClinVar's aggregate classification.

Illumina Laboratory Services, Illumina
Classification: Uncertain significance for Pendred syndrome. Last evaluated: 2017-04-27. Review status: criteria provided, single submitter. Criteria: ICSL Variant Classification Criteria 13 December 2019. Collection method: clinical testing. Allele origin: germline. Not counted in ClinVar's aggregate classification.

National Institute of Sensory Organs, National Hospital Organization Tokyo Medical Center
Classification: other for Autosomal recessive nonsyndromic hearing loss 4. Last evaluated: 2019-08-20. Review status: no assertion criteria provided. Collection method: literature only, in vitro. Allele origin: germline. Inheritance: Autosomal recessive inheritance. Affected: yes. Functional consequence: functionally_normal. Not counted in ClinVar's aggregate classification.
Comment: Benign effect in vitro experiment

Laboratory of Prof. Karen Avraham, Tel Aviv University
Classification: Pathogenic for Pendred syndrome. Last evaluated: 2016-02-19. Review status: no assertion criteria provided. Collection method: research. Allele origin: germline. Affected: yes. Not counted in ClinVar's aggregate classification.
Comment: Congenital, profound HL

NSHL; recessive or Pendred, DFNB4; in one family, it might not be clear if it is syndromic of non-syndromic

Laboratory of Prof. Karen Avraham, Tel Aviv University
Classification: Pathogenic for Enlarged vestibular aqueduct syndrome. Last evaluated: 2016-02-19. Review status: no assertion criteria provided. Collection method: research. Allele origin: germline. Affected: yes. Not counted in ClinVar's aggregate classification.
Comment: Congenital, profound HL

NSHL; recessive or Pendred, DFNB4

Literature cited by the submitters: PubMed 16570074 (cited by ClinGen Hearing Loss Variant Curation Expert Panel and Laboratory for Molecular Medicine, Mass General Brigham Personalized Medicine); PubMed 10700480 (cited by 3 submitters); PubMed 26969326 (cited by 6 submitters); PubMed 27771369 (cited by 3 submitters); PubMed 11932316 (cited by 7 submitters); PubMed 23555729 (cited by 4 submitters); PubMed 33111345 (cited by 4 submitters); PubMed 34410491 (cited by Labcorp Genetics (formerly Invitae), Labcorp); PubMed 31599023 (cited by 4 submitters); PubMed 32165640 (cited by Labcorp Genetics (formerly Invitae), Labcorp); PubMed 34593925 (cited by Natera, Inc.); PubMed 37108562 (cited by Dasa); PubMed 16950989 (cited by Laboratory for Molecular Medicine, Mass General Brigham Personalized Medicine); PubMed 14508505 (cited by Laboratory for Molecular Medicine, Mass General Brigham Personalized Medicine); PubMed 25262649 (cited by National Institute of Sensory Organs, National Hospital Organization Tokyo Medical Center); PubMed 30245029 (cited by National Institute of Sensory Organs, National Hospital Organization Tokyo Medical Center).